The following is an entry in ClinVar:

ClinVar aggregate classification (germline): Uncertain significance (1 of 4 stars; one submission).

Submission:

GeneDx
Classification: Uncertain significance. Last evaluated: 2024-07-03. Review status: criteria provided, single submitter. Criteria: GeneDx Variant Classification Process June 2021. Collection method: clinical testing. Allele origin: germline. Affected: yes.
Comment: Not observed at significant frequency in large population cohorts (gnomAD); In silico analysis supports that this missense variant has a deleterious effect on protein structure/function; Has not been previously published as pathogenic or benign to our knowledge

NM_001385012.1(NBEA):c.820G>A (p.Asp274Asn)

Gene: NBEA (neurobeachin; plus strand). Cytogenetic location: 13q13.3.
Variant type: single nucleotide variant.
Coding change: c.820G>A on transcript NM_001385012.1 (MANE Select); coding-DNA position 820, G replaced by A.
Protein change: p.Asp274Asn; replaces aspartic acid 274 with asparagine.
Molecular consequence: missense variant.
Genome position (GRCh38, 1-based): chr13:35,048,659, G>A. VCF-style: chr13-35048659-G-A. GRCh37 (hg19) VCF-style: chr13-35622796-G-A.
Other names: c.820G>A, p.Asp274Asn (NM_001379245.1, NM_015678.5); short protein forms D274N.
Identifiers: ClinVar variation 3393893 (VCV003393893.1).